The following is an entry in ClinVar:

ClinVar aggregate classification (germline): Benign/Likely benign. Review status: criteria provided, multiple submitters, no conflicts (2 of 4 stars). 6 submissions from 6 submitters: Benign (3); Likely benign (2). 1 of the submissions does not count toward it. Last evaluated 2025-12-10.

Conditions:
SPTBN2-related disorder. Also called: SPTBN2-related condition.
Spinocerebellar ataxia type 5 (SCA5). Identifiers: Orphanet 98766, MedGen C0752123, MONDO:0010848, OMIM 600224.

Allele frequency attached by ClinVar (database versions not stated): gnomAD exomes 0.00091 and 0.00250; ExAC 0.00301; gnomAD 0.00894 and 0.00966; ESP Exome Variant Server 0.01016; 1000 Genomes Project 0.01098; 1000 Genomes Project 30x 0.01109; TOPMed 0.01116.
gnomAD v4.1: 2,749 of 1,613,682 alleles (0.17%); highest among the groups gnomAD compares: African/African-American, 3.1%; 43 homozygotes.

Submissions (6):

Labcorp Genetics (formerly Invitae), Labcorp
Classification: Benign. Last evaluated: 2025-12-10. Review status: criteria provided, single submitter. Criteria: Invitae Variant Classification Sherloc (09022015). Collection method: clinical testing. Allele origin: germline.

Mayo Clinic Laboratories, Mayo Clinic
Classification: Benign. Last evaluated: 2025-03-25. Review status: criteria provided, single submitter. Criteria: ACMG Guidelines, 2015. Collection method: clinical testing. Allele origin: germline. Observed: 2 variant alleles.
Comment: BS1, BS2, BP4, BP7

GeneDx
Classification: Likely benign. Last evaluated: 2021-09-18. Review status: criteria provided, single submitter. Criteria: GeneDx Variant Classification Process June 2021. Collection method: clinical testing. Allele origin: germline. Affected: yes.
Comment: See Variant Classification Assertion Criteria.

Athena Diagnostics
Classification: Benign for Spinocerebellar ataxia type 5. Last evaluated: 2017-06-12. Review status: criteria provided, single submitter. Criteria: Athena Diagnostics Criteria. Collection method: clinical testing. Allele origin: germline.

Breakthrough Genomics
Classification: Likely benign. Review status: criteria provided, single submitter. Criteria: ACMG Guidelines, 2015. Collection method: not provided. Allele origin: germline. Inheritance: Autosomal recessive inheritance. Affected: yes.

PreventionGenetics, part of Exact Sciences
Classification: Benign for SPTBN2-related condition. Last evaluated: 2019-03-27. Review status: no assertion criteria provided. Collection method: clinical testing. Allele origin: germline. Not counted in ClinVar's aggregate classification.
Comment: This variant is classified as benign based on ACMG/AMP sequence variant interpretation guidelines (Richards et al. 2015 PMID: 25741868, with internal and published modifications).

NM_006946.4(SPTBN2):c.7020G>A (p.Pro2340=)

Gene: SPTBN2 (spectrin beta, non-erythrocytic 2; minus strand). Cytogenetic location: 11q13.2.
Variant type: single nucleotide variant.
Coding change: c.7020G>A on transcript NM_006946.4 (MANE Select); coding-DNA position 7020, G replaced by A.
Protein change: p.Pro2340=; no amino-acid change (proline 2340 retained).
Molecular consequence: synonymous variant.
Genome position (GRCh38, 1-based): chr11:66,686,024, C>T on the plus strand (G>A on the coding strand, the complement: SPTBN2 is on the minus strand). VCF-style: chr11-66686024-C-T. GRCh37 (hg19) VCF-style: chr11-66453495-C-T.
Other names: p.Pro2340=; c.7020G>A (NM_006946.3).
Identifiers: ClinVar variation 305523 (VCV000305523.18), dbSNP rs61741217, ClinGen allele CA6127660.